The following is an entry in ClinVar:

NM_001385682.1(MAP4):c.*138A>G

Gene: MAP4 (microtubule associated protein 4; minus strand). Cytogenetic location: 3p21.31.
Variant type: single nucleotide variant.
Coding change: c.*138A>G on transcript NM_001385682.1 (MANE Select); 138 bases downstream of the stop codon, A replaced by G.
Molecular consequence: 3 prime UTR variant. On other transcripts: missense variant (3).
Genome position (GRCh38, 1-based): chr3:47,852,796, T>C on the plus strand (A>G on the coding strand, the complement: MAP4 is on the minus strand). VCF-style: chr3-47852796-T-C. GRCh37 (hg19) VCF-style: chr3-47894286-T-C.
Other names: c.*236A>G (NM_001384734.1, NM_001384735.1, NM_001384736.1 and 77 more transcripts); c.*138A>G (NM_001384737.1, NM_001384744.1, NM_001384745.1 and 53 more transcripts); c.3359A>G, p.His1120Arg (NM_001384756.1); c.3404A>G, p.His1135Arg (NM_001134364.2); c.3281A>G, p.His1094Arg (NM_001384681.1); short protein forms H1094R, H1120R, H1135R.
Identifiers: ClinVar variation 3041281 (VCV003041281.15), dbSNP rs111679040, ClinGen allele CA2370455.
Genomic context (GRCh38, chr3:47,852,796, plus strand): 5'-AGGAGGGAAGGCGAGCCTAGCGGGCTGCCCAGCACGGCGCCCAAGCGCTCACTGGTCTAG[T>C]GGACAGCCCGGGAAAGGGGGCCAAGGACCCGGGAGCCCGAGTTGGGGCCGCCAGGGAAGT-3'

ClinVar aggregate classification (germline): Likely benign. Review status: criteria provided, single submitter (1 of 4 stars). 2 submissions from 2 submitters: Likely benign (1). 1 of the submissions does not count toward it. Last evaluated 2025-01-01.

Conditions:
MAP4-related disorder. Also called: MAP4-related condition.

Allele frequency attached by ClinVar (database versions not stated): 1000 Genomes Project 30x 0.00406; 1000 Genomes Project 0.00479; TOPMed 0.00655; gnomAD 0.00831; gnomAD exomes 0.00949; ExAC 0.01129.
gnomAD v4.1: 14,429 of 1,548,714 alleles (0.93%); highest among the groups gnomAD compares: Non-Finnish European, 0.98%; 101 homozygotes.

Submissions (2):

CeGaT Center for Human Genetics Tuebingen
Classification: Likely benign. Last evaluated: 2025-01-01. Review status: criteria provided, single submitter. Criteria: CeGaT Center For Human Genetics Tuebingen Variant Classification Criteria Version 2. Collection method: clinical testing. Allele origin: germline. Affected: yes. Observed: 1 variant allele.
Comment: MAP4: BP4, BS2

PreventionGenetics, part of Exact Sciences
Classification: Benign for MAP4-related condition. Last evaluated: 2019-04-11. Review status: no assertion criteria provided. Collection method: clinical testing. Allele origin: germline. Not counted in ClinVar's aggregate classification.
Comment: This variant is classified as benign based on ACMG/AMP sequence variant interpretation guidelines (Richards et al. 2015 PMID: 25741868, with internal and published modifications).